The following is an entry in ClinVar:

ClinVar aggregate classification (germline): Uncertain significance (1 of 4 stars; one submission).

Conditions:
Congenital muscular dystrophy due to integrin alpha-7 deficiency. Also called: Congenital muscular dystrophy with integrin alpha-7 deficiency; Muscular dystrophy, congenital, due to ITGA7 deficiency; MYOPATHY, CONGENITAL, DUE TO INTEGRIN ALPHA-7 DEFICIENCY. Identifiers: Orphanet 34520, MedGen C2750786, MONDO:0013177, OMIM 613204.

Allele frequency attached by ClinVar (database versions not stated): gnomAD exomes below 0.00001.
gnomAD v4.1: 1 of 1,614,068 alleles (0.000062%); highest among the groups gnomAD compares: Non-Finnish European, 0.000085%; no homozygotes.

Submission:

Labcorp Genetics (formerly Invitae), Labcorp
Classification: Uncertain significance for Congenital muscular dystrophy due to integrin alpha-7 deficiency. Last evaluated: 2022-11-28. Review status: criteria provided, single submitter. Criteria: Invitae Variant Classification Sherloc (09022015). Collection method: clinical testing. Allele origin: germline.
Comment: This sequence change replaces aspartic acid, which is acidic and polar, with asparagine, which is neutral and polar, at codon 707 of the ITGA7 protein (p.Asp707Asn). This variant is not present in population databases (gnomAD no frequency). This variant has not been reported in the literature in individuals affected with ITGA7-related conditions. Algorithms developed to predict the effect of missense changes on protein structure and function (SIFT, PolyPhen-2, Align-GVGD) all suggest that this variant is likely to be tolerated. In summary, the available evidence is currently insufficient to determine the role of this variant in disease. Therefore, it has been classified as a Variant of Uncertain Significance.

NM_002206.3(ITGA7):c.2119G>A (p.Asp707Asn)

Genes: ITGA7 (integrin subunit alpha 7; minus strand), LOC126861535 (CDK7 strongly-dependent group 2 enhancer GRCh37_chr12:56087579-56088778; plus strand). Cytogenetic location: 12q13.2.
Variant type: single nucleotide variant.
Coding change: c.2119G>A on transcript NM_002206.3 (MANE Select); coding-DNA position 2119, G replaced by A.
Protein change: p.Asp707Asn; replaces aspartic acid 707 with asparagine.
Molecular consequence: missense variant.
Genome position (GRCh38, 1-based): chr12:55,694,855, C>T on the plus strand (G>A on the coding strand, the complement: ITGA7 is on the minus strand). VCF-style: chr12-55694855-C-T. GRCh37 (hg19) VCF-style: chr12-56088639-C-T.
Other names: c.2131G>A, p.Asp711Asn (NM_001144996.2); c.1840G>A, p.Asp614Asn (NM_001144997.2); c.1792G>A, p.Asp598Asn (NM_001367993.1); c.775G>A, p.Asp259Asn (NM_001367994.1); c.2101G>A, p.Asp701Asn (NM_001374465.1); c.2251G>A, p.Asp751Asn (NM_001410977.1); c.2113G>A, p.Asp705Asn (NM_001414029.1); c.2044G>A, p.Asp682Asn (NM_001414030.1); and 4 more; short protein forms D594N, D646N, D667N, D707N, D259N, D682N, D711N, D598N.
Identifiers: ClinVar variation 1919419 (VCV001919419.5), dbSNP rs2539739359, ClinGen allele CA385184092.
Genomic context (GRCh38, chr12:55,694,855, plus strand): 5'-GGACCCCTGAGTAGTGCAGTGAGTCAGGAAGCATGACCAGGAGCTGGGCTTCATGGGCAT[C>T]ATCCCCATCAGCCTGGGGCTGGGCTGGGTCCGATGGCAGGTTGGTGACCATCAGCTCCAG-3'
Protein context (NP_002197.2, residues 697-717): DPAQPQADGD[Asp707Asn]AHEAQLLVML